The following is an entry in ClinVar:

ClinVar aggregate classification (germline): Pathogenic/Likely pathogenic. Review status: criteria provided, multiple submitters, no conflicts (2 of 4 stars). 2 submissions from 2 submitters: Pathogenic (1); Likely pathogenic (1). Last evaluated 2024-11-10.

Conditions:
SI-related disorders.

Submissions (2):

Labcorp Genetics (formerly Invitae), Labcorp
Classification: Pathogenic. Last evaluated: 2024-11-10. Review status: criteria provided, single submitter. Criteria: Invitae Variant Classification Sherloc (09022015). Collection method: clinical testing. Allele origin: germline.
Comment: This sequence change creates a premature translational stop signal (p.Leu296*) in the SI gene. It is expected to result in an absent or disrupted protein product. Loss-of-function variants in SI are known to be pathogenic (PMID: 16329100, 23103650, 25452324). This variant is not present in population databases (gnomAD no frequency). This variant has not been reported in the literature in individuals affected with SI-related conditions. ClinVar contains an entry for this variant (Variation ID: 2993169). For these reasons, this variant has been classified as Pathogenic.

Blueprint Genetics
Classification: Likely pathogenic for SI-related disorders. Last evaluated: 2022-09-29. Review status: criteria provided, single submitter. Criteria: ACMG Guidelines, 2015. Collection method: clinical testing. Allele origin: germline. Affected: yes. Observed: 1 variant allele.

Literature cited by the submitters: PubMed 16329100 (cited by Labcorp Genetics (formerly Invitae), Labcorp); PubMed 23103650 (cited by Labcorp Genetics (formerly Invitae), Labcorp); PubMed 25452324 (cited by Labcorp Genetics (formerly Invitae), Labcorp).

NM_001041.4(SI):c.887del (p.Phe295_Leu296insTer)

Gene: SI (sucrase-isomaltase; minus strand). Cytogenetic location: 3q26.1.
Variant type: Deletion.
Coding change: c.887del on transcript NM_001041.4 (MANE Select); coding-DNA position 887, one base deleted (T; older notation c.887delT).
Protein change: p.Phe295_Leu296insTer.
Molecular consequence: nonsense.
Genome position (GRCh38, 1-based): chr3:165,063,462, A deleted on the plus strand (T on the coding strand, the reverse complement: SI is on the minus strand); the first of 7 consecutive A bases (chr3:165,063,462-165,063,468); deleting any one gives the same sequence. VCF-style (leftmost placement, unchanged base first): chr3-165063461-TA-T. GRCh37 (hg19) VCF-style: chr3-164781249-TA-T.
Identifiers: ClinVar variation 2993169 (VCV002993169.4), dbSNP rs769103567, ClinGen allele CA645518661.